The following is an entry in ClinVar:

NM_000742.4(CHRNA2):c.1064G>A (p.Arg355His)

Gene: CHRNA2 (cholinergic receptor nicotinic alpha 2 subunit; minus strand). Cytogenetic location: 8p21.2.
Variant type: single nucleotide variant.
Coding change: c.1064G>A on transcript NM_000742.4 (MANE Select); coding-DNA position 1064, G replaced by A.
Protein change: p.Arg355His; replaces arginine 355 with histidine.
Molecular consequence: missense variant.
Genome position (GRCh38, 1-based): chr8:27,463,379, C>T on the plus strand (G>A on the coding strand, the complement: CHRNA2 is on the minus strand). VCF-style: chr8-27463379-C-T. GRCh37 (hg19) VCF-style: chr8-27320896-C-T.
Other names: p.R355H:CGC>CAC; c.1019G>A, p.Arg340His (NM_001282455.2); c.587G>A, p.Arg196His (NM_001347705.2, NM_001347706.2); c.470G>A, p.Arg157His (NM_001347707.2, NM_001347708.2); short protein forms R355H, R196H, R340H, R157H.
Identifiers: ClinVar variation 204967 (VCV000204967.11), dbSNP rs368791756, ClinGen allele CA313456.

ClinVar aggregate classification (germline): Conflicting classifications of pathogenicity. Review status: criteria provided, conflicting classifications (1 of 4 stars). 5 submissions from 5 submitters: Uncertain significance (4); Likely benign (1). Last evaluated 2025-05-01.

Conditions:
Inborn genetic diseases. Identifiers: MedGen C0950123, MeSH D030342.
Familial sleep-related hypermotor epilepsy. Also called: Autosomal Dominant Sleep-Related Hypermotor (Hyperkinetic) Epilepsy. Identifiers: Orphanet 98784, MedGen C3696898, MONDO:0000030.

Allele frequency attached by ClinVar (database versions not stated): gnomAD 0.00004 and 0.00003; ExAC 0.00005; TOPMed 0.00007; ESP Exome Variant Server 0.00008.
gnomAD v4.1: 51 of 1,613,898 alleles (0.0032%); highest among the groups gnomAD compares: African/African-American, 0.0093%; no homozygotes.

Submissions (5):

Labcorp Genetics (formerly Invitae), Labcorp
Classification: Uncertain significance. Last evaluated: 2025-05-01. Review status: criteria provided, single submitter. Criteria: Invitae Variant Classification Sherloc (09022015). Collection method: clinical testing. Allele origin: germline.
Comment: This sequence change replaces arginine, which is basic and polar, with histidine, which is basic and polar, at codon 355 of the CHRNA2 protein (p.Arg355His). This variant is present in population databases (rs368791756, gnomAD 0.01%). This variant has not been reported in the literature in individuals affected with CHRNA2-related conditions. ClinVar contains an entry for this variant (Variation ID: 204967). Invitae Evidence Modeling of protein sequence and biophysical properties (such as structural, functional, and spatial information, amino acid conservation, physicochemical variation, residue mobility, and thermodynamic stability) indicates that this missense variant is not expected to disrupt CHRNA2 protein function with a negative predictive value of 80%. In summary, the available evidence is currently insufficient to determine the role of this variant in disease. Therefore, it has been classified as a Variant of Uncertain Significance.

Blueprint Genetics
Classification: Likely benign. Last evaluated: 2022-11-18. Review status: criteria provided, single submitter. Criteria: ACMG Guidelines, 2015. Collection method: clinical testing. Allele origin: germline.

Ambry Genetics
Classification: Uncertain significance for Inborn genetic diseases. Last evaluated: 2020-12-28. Review status: criteria provided, single submitter. Criteria: Ambry Variant Classification Scheme 2023. Collection method: clinical testing. Allele origin: germline.
Comment: The c.1064G>A (p.R355H) alteration is located in exon 6 (coding exon 5) of the CHRNA2 gene. This alteration results from a G to A substitution at nucleotide position 1064, causing the arginine (R) at amino acid position 355 to be replaced by a histidine (H). The in silico prediction for the p.R355H alteration is inconclusive. Based on insufficient or conflicting evidence, the clinical significance of this alteration remains unclear.

GeneDx
Classification: Uncertain significance. Last evaluated: 2014-08-08. Review status: criteria provided, single submitter. Criteria: GeneDx Variant Classification (06012015). Collection method: clinical testing. Allele origin: germline. Affected: yes.
Comment: p.Arg355His (CGC>CAC): c.1064 G>A in exon 6 of the CHRNA2 gene (NM_000742.3). A variant of unknown significance has been identified in the CHRNA2 gene. The R355H variant has not been published as a mutation, nor has it been reported as a benign polymorphism to our knowledge. It was not observed with any significant frequency in approximately 6,500 individuals of European and African American ancestry in the NHLBI Exome Sequencing Project. The R355H variant is a conservative amino acid substitution, which is not likely to impact secondary protein structure as these residues share similar properties. Additionally, this amino acid substitution does not occur within the transmembrane region of the protein, where the vast majority of pathogenic missense mutations have been identified in association with epilepsy (Steinlein et al., 2010). However, this substitution alters a position that is conserved across species, and in silico analysis predicts this variant is probably damaging to the protein structure/function. Therefore, based on the currently available information, it is unclear whether this variant is a pathogenic mutation or a rare benign variant. The variant is found in EPILEPSY panel(s).

Breakthrough Genomics
Classification: Uncertain significance. Review status: criteria provided, single submitter. Criteria: ACMG Guidelines, 2015. Collection method: not provided. Allele origin: germline. Inheritance: Autosomal recessive inheritance. Affected: yes.